The following is an entry in ClinVar:

ClinVar aggregate classification (germline): Uncertain significance (1 of 4 stars; one submission).

gnomAD v4.1: 1 of 1,612,384 alleles (0.000062%); highest among the groups gnomAD compares: Non-Finnish European, 0.000085%; no homozygotes.

Submission:

Labcorp Genetics (formerly Invitae), Labcorp
Classification: Uncertain significance. Last evaluated: 2025-05-04. Review status: criteria provided, single submitter. Criteria: Invitae Variant Classification Sherloc (09022015). Collection method: clinical testing. Allele origin: germline.
Comment: This sequence change replaces aspartic acid, which is acidic and polar, with tyrosine, which is neutral and polar, at codon 1102 of the ASPM protein (p.Asp1102Tyr). This variant is not present in population databases (gnomAD no frequency). This variant has not been reported in the literature in individuals affected with ASPM-related conditions. Invitae Evidence Modeling of protein sequence and biophysical properties (such as structural, functional, and spatial information, amino acid conservation, physicochemical variation, residue mobility, and thermodynamic stability) indicates that this missense variant is not expected to disrupt ASPM protein function with a negative predictive value of 80%. In summary, the available evidence is currently insufficient to determine the role of this variant in disease. Therefore, it has been classified as a Variant of Uncertain Significance.

NM_018136.5(ASPM):c.3304G>T (p.Asp1102Tyr)

Gene: ASPM (assembly factor for spindle microtubules; minus strand). Cytogenetic location: 1q31.3.
Variant type: single nucleotide variant.
Coding change: c.3304G>T on transcript NM_018136.5 (MANE Select); coding-DNA position 3304, G replaced by T.
Protein change: p.Asp1102Tyr; replaces aspartic acid 1102 with tyrosine.
Molecular consequence: missense variant.
Genome position (GRCh38, 1-based): chr1:197,124,196, C>A on the plus strand (G>T on the coding strand, the complement: ASPM is on the minus strand). VCF-style: chr1-197124196-C-A. GRCh37 (hg19) VCF-style: chr1-197093326-C-A.
Other names: c.3304G>T, p.Asp1102Tyr (NM_001206846.2); short protein forms D1102Y.
Identifiers: ClinVar variation 4694102 (VCV004694102.1).